The following is an entry in ClinVar:

NM_000125.4(ESR1):c.1235+224AC[22]

Gene: ESR1 (estrogen receptor 1; plus strand). Cytogenetic location: 6q25.1.
Variant type: Microsatellite.
Coding change: c.1235+224AC[22] on transcript NM_000125.4 (MANE Select); 22 copies in a row of the 2-base unit AC starting at c.1235+224; the reference has 15 copies in a row; seven copies, 14 bases duplicated.
Molecular consequence: intron variant.
Genome position (GRCh38, 1-based): chr6:152,012,034-152,012,047, ACACACACACACAC duplicated; duplicating any 14 consecutive bases within chr6:152,012,018-152,012,047 gives the same sequence; the position shown is the placement nearest the transcript's 3' end. VCF-style (leftmost placement, unchanged base first): chr6-152012017-T-TACACACACACACAC. GRCh37 (hg19) VCF-style: chr6-152333152-T-TACACACACACACAC.
Other names: c.1235+224AC[22] (NM_001385568.1, NM_001122742.2, NM_001385570.1 and 5 more transcripts); c.1241+224AC[22] (NM_001291230.2); c.1232+224AC[22] (NM_001291241.2); c.716+224AC[22] (NM_001328100.2).
Identifiers: ClinVar variation 1684076 (VCV001684076.2), dbSNP rs141508452, ClinGen allele CA571353995.
Genomic context (GRCh38, chr6:152,012,017, plus strand): 5'-CAGAAAGCTAAGGATAACTTTCTGCTAGACATTACCTCAGAAGAATTCTATTATTTCTAA[T>TACACACACACACAC]ACACACACACACACACACACACACACACACTCACACTCTCTCTCTCTCTCTCTCTGTCAT-3'

ClinVar aggregate classification (germline): Likely benign (1 of 4 stars; one submission).

Submission:

GeneDx
Classification: Likely benign. Last evaluated: 2021-11-13. Review status: criteria provided, single submitter. Criteria: GeneDx Variant Classification Process June 2021. Collection method: clinical testing. Allele origin: germline. Affected: yes.
Comment: See Variant Classification Assertion Criteria.